The following is an entry in ClinVar:

ClinVar aggregate classification (germline): Uncertain significance (1 of 4 stars; one submission).

gnomAD v4.1: 1 of 1,614,214 alleles (0.000062%); highest among the groups gnomAD compares: Non-Finnish European, 0.000085%; no homozygotes.

Submission:

Ambry Genetics
Classification: Uncertain significance. Last evaluated: 2024-11-23. Review status: criteria provided, single submitter. Criteria: Ambry Variant Classification Scheme 2023. Collection method: clinical testing. Allele origin: germline.
Comment: The p.S1381N variant (also known as c.4142G>A), located in coding exon 14 of the CDK12 gene, results from a G to A substitution at nucleotide position 4142. The serine at codon 1381 is replaced by asparagine, an amino acid with highly similar properties. This amino acid position is conserved. In addition, this alteration is predicted to be tolerated by in silico analysis. Based on the available evidence, the clinical significance of this variant remains unclear.

NM_016507.4(CDK12):c.4142G>A (p.Ser1381Asn)

Gene: CDK12 (cyclin dependent kinase 12; plus strand). Cytogenetic location: 17q12.
Variant type: single nucleotide variant.
Coding change: c.4142G>A on transcript NM_016507.4 (MANE Select); coding-DNA position 4142, G replaced by A.
Protein change: p.Ser1381Asn; replaces serine 1381 with asparagine.
Molecular consequence: missense variant.
Genome position (GRCh38, 1-based): chr17:39,530,985, G>A. VCF-style: chr17-39530985-G-A. GRCh37 (hg19) VCF-style: chr17-37687238-G-A.
Other names: c.4115G>A, p.Ser1372Asn (NM_015083.4); short protein forms S1372N, S1381N.
Identifiers: ClinVar variation 3489260 (VCV003489260.1).